The following is an entry in ClinVar:

NM_006612.6(KIF1C):c.2279C>G (p.Ala760Gly)

Gene: KIF1C (kinesin family member 1C; plus strand). Cytogenetic location: 17p13.2.
Variant type: single nucleotide variant.
Coding change: c.2279C>G on transcript NM_006612.6 (MANE Select); coding-DNA position 2279, C replaced by G.
Protein change: p.Ala760Gly; replaces alanine 760 with glycine.
Molecular consequence: missense variant.
Genome position (GRCh38, 1-based): chr17:5,022,360, C>G. VCF-style: chr17-5022360-C-G. GRCh37 (hg19) VCF-style: chr17-4925655-C-G.
Other names: short protein forms A760G.
Identifiers: ClinVar variation 3365310 (VCV003365310.1).

ClinVar aggregate classification (germline): Uncertain significance (1 of 4 stars; one submission).

Submission:

GeneDx
Classification: Uncertain significance. Last evaluated: 2023-12-03. Review status: criteria provided, single submitter. Criteria: GeneDx Variant Classification Process June 2021. Collection method: clinical testing. Allele origin: germline. Affected: yes.
Comment: Not observed at significant frequency in large population cohorts (gnomAD); In silico analysis supports that this missense variant does not alter protein structure/function; Has not been previously published as pathogenic or benign to our knowledge